The following is an entry in ClinVar:

NM_002529.4(NTRK1):c.1341G>C (p.Lys447Asn)

Gene: NTRK1 (neurotrophic receptor tyrosine kinase 1; plus strand). Cytogenetic location: 1q23.1.
Variant type: single nucleotide variant.
Coding change: c.1341G>C on transcript NM_002529.4 (MANE Select); coding-DNA position 1341, G replaced by C.
Protein change: p.Lys447Asn; replaces lysine 447 with asparagine.
Molecular consequence: missense variant.
Genome position (GRCh38, 1-based): chr1:156,874,995, G>C. VCF-style: chr1-156874995-G-C. GRCh37 (hg19) VCF-style: chr1-156844787-G-C.
Other names: c.1341G>C, p.Lys447Asn (NM_001007204.1); c.1233G>C, p.Lys411Asn (NM_001007792.1); c.1323G>C, p.Lys441Asn (NM_001012331.2); short protein forms K441N, K447N, K411N.
Identifiers: ClinVar variation 2196334 (VCV002196334.2), dbSNP rs936268492, ClinGen allele CA31116897.

ClinVar aggregate classification (germline): Uncertain significance. Review status: criteria provided, multiple submitters, no conflicts (2 of 4 stars). 2 submissions from 2 submitters: Uncertain significance (2). Last evaluated 2023-12-27.

Conditions:
Hereditary insensitivity to pain with anhidrosis (CIPA). Also called: HSAN Type IV; NTRK1 Congenital Insensitivity to Pain with Anhidrosis; FAMILIAL DYSAUTONOMIA, TYPE II; NEUROPATHY, CONGENITAL SENSORY, WITH ANHIDROSIS; INSENSITIVITY TO PAIN, CONGENITAL, WITH ANHIDROSIS; hereditary sensory and autonomic neuropathy type 4. Identifiers: Orphanet 642, MedGen C0020074, MONDO:0009746, OMIM 256800.
Inborn genetic diseases. Identifiers: MedGen C0950123, MeSH D030342.

Allele frequency attached by ClinVar (database versions not stated): TOPMed below 0.00001; gnomAD 0.00001.
gnomAD v4.1: 13 of 1,613,368 alleles (0.00081%); highest among the groups gnomAD compares: Non-Finnish European, 0.0011%; no homozygotes.

Submissions (2):

Ambry Genetics
Classification: Uncertain significance for Inborn genetic diseases. Last evaluated: 2023-12-27. Review status: criteria provided, single submitter. Criteria: Ambry Variant Classification Scheme 2023. Collection method: clinical testing. Allele origin: germline.

Labcorp Genetics (formerly Invitae), Labcorp
Classification: Uncertain significance for Hereditary insensitivity to pain with anhidrosis. Last evaluated: 2022-07-15. Review status: criteria provided, single submitter. Criteria: Invitae Variant Classification Sherloc (09022015). Collection method: clinical testing. Allele origin: germline.
Comment: This sequence change replaces lysine, which is basic and polar, with asparagine, which is neutral and polar, at codon 441 of the NTRK1 protein (p.Lys441Asn). This variant is present in population databases (no rsID available, gnomAD 0.0009%). This variant has not been reported in the literature in individuals affected with NTRK1-related conditions. Advanced modeling of protein sequence and biophysical properties (such as structural, functional, and spatial information, amino acid conservation, physicochemical variation, residue mobility, and thermodynamic stability) performed at Invitae indicates that this missense variant is not expected to disrupt NTRK1 protein function. In summary, the available evidence is currently insufficient to determine the role of this variant in disease. Therefore, it has been classified as a Variant of Uncertain Significance.